The following is an entry in ClinVar:

NM_000059.4(BRCA2):c.632-8T>C

Gene: BRCA2 (BRCA2 DNA repair associated; plus strand). Cytogenetic location: 13q13.1.
Variant type: single nucleotide variant.
Coding change: c.632-8T>C on transcript NM_000059.4 (MANE Select); 8 bases into the intron before coding-DNA position 632, T replaced by C.
Molecular consequence: intron variant.
Genome position (GRCh38, 1-based): chr13:32,329,435, T>C. VCF-style: chr13-32329435-T-C. GRCh37 (hg19) VCF-style: chr13-32903572-T-C.
Other names: c.632-8T>C (NM_000059.3).
Identifiers: ClinVar variation 1104684 (VCV001104684.10), dbSNP rs2072372672, ClinGen allele CA2082756434.

ClinVar aggregate classification (germline): Conflicting classifications of pathogenicity. Review status: criteria provided, conflicting classifications (1 of 4 stars). 3 submissions from 3 submitters: Uncertain significance (1); Likely benign (2). Last evaluated 2025-11-06.

Conditions:
Hereditary breast ovarian cancer syndrome. Also called: BRCA1- and BRCA2-Associated Hereditary Breast and Ovarian Cancer; Hereditary breast and ovarian cancer; Hereditary breast and ovarian cancer syndrome (HBOC); Breast and ovarian cancer; Hereditary breast and ovarian cancer syndrome; Hereditary breast and/or ovarian cancer syndrome. Identifiers: Orphanet 145, MedGen C0677776, MeSH D061325, MONDO:0003582. Disease mechanism: loss of function.
Hereditary cancer-predisposing syndrome. Also called: Tumor predisposition; Neoplastic Syndromes, Hereditary; Hereditary Cancer Syndrome; Hereditary neoplastic syndrome. Identifiers: Orphanet 140162, MedGen C0027672, MeSH D009386, MONDO:0015356.

Allele frequency attached by ClinVar (database versions not stated): TOPMed below 0.00001.

Submissions (3):

Quest Diagnostics Nichols Institute San Juan Capistrano
Classification: Uncertain significance. Last evaluated: 2025-11-06. Review status: criteria provided, single submitter. Criteria: Quest Diagnostics criteria. Collection method: clinical testing. Allele origin: unknown.
Comment: The BRCA2 c.632-8T>C variant has not been reported in individuals with BRCA2-related conditions in the published literature. This variant has not been reported in large, multi-ethnic general populations (Genome Aggregation Database). Analysis of this variant using software algorithms for the prediction of the effect of nucleotide changes on splicing yielded predictions that this variant does not affect BRCA2 mRNA splicing. Based on the available information, we are unable to determine the clinical significance of this variant.

Labcorp Genetics (formerly Invitae), Labcorp
Classification: Likely benign for Hereditary breast ovarian cancer syndrome. Last evaluated: 2025-08-25. Review status: criteria provided, single submitter. Criteria: Invitae Variant Classification Sherloc (09022015). Collection method: clinical testing. Allele origin: germline.

Color Diagnostics, LLC DBA Color Health
Classification: Likely benign for Hereditary cancer-predisposing syndrome. Last evaluated: 2022-05-04. Review status: criteria provided, single submitter. Criteria: ACMG Guidelines, 2015. Collection method: clinical testing. Allele origin: germline.